The following is an entry in ClinVar:

NM_005228.5(EGFR):c.3373del (p.Tyr1125fs)

Gene: EGFR (epidermal growth factor receptor; plus strand). Cytogenetic location: 7p11.2.
Variant type: Deletion.
Coding change: c.3373del on transcript NM_005228.5 (MANE Select); coding-DNA position 3373, one base deleted (T; older notation c.3373delT).
Protein change: p.Tyr1125fs; shifts the reading frame from tyrosine 1125.
Molecular consequence: frameshift variant.
Genome position (GRCh38, 1-based): chr7:55,205,357, T deleted. VCF-style (leftmost placement, unchanged base first): chr7-55205356-CT-C. GRCh37 (hg19) VCF-style: chr7-55273049-CT-C.
Other names: c.3238del, p.Tyr1080fs (NM_001346899.2); c.3214del, p.Tyr1072fs (NM_001346900.2); c.2572del, p.Tyr858fs (NM_001346941.2); short protein forms Y1080fs, Y858fs, Y1072fs, Y1125fs.
Identifiers: ClinVar variation 4016728 (VCV004016728.1).

ClinVar aggregate classification (germline): Uncertain significance (1 of 4 stars; one submission).

Conditions:
Hereditary cancer-predisposing syndrome. Also called: Tumor predisposition; Hereditary neoplastic syndrome; Neoplastic Syndromes, Hereditary; Hereditary Cancer Syndrome. Identifiers: Orphanet 140162, MedGen C0027672, MeSH D009386, MONDO:0015356.

Submission:

Ambry Genetics
Classification: Uncertain significance for Hereditary cancer-predisposing syndrome. Last evaluated: 2025-04-21. Review status: criteria provided, single submitter. Criteria: Ambry Variant Classification Scheme 2023. Collection method: clinical testing. Allele origin: germline.
Comment: The c.3373delT variant, located in coding exon 28 of the EGFR gene, results from a deletion of one nucleotide at nucleotide position 3373, causing a translational frameshift with a predicted alternate stop codon (p.Y1125Tfs*74). This alteration occurs at the 3' terminus of the EGFR gene, is not expected to trigger nonsense-mediated mRNA decay, and impacts the last 7.1% of the protein. The exact functional effect of this alteration is unknown. Based on the available evidence, the clinical significance of this variant remains unclear.